The following is an entry in ClinVar:

NM_033305.3(VPS13A):c.3114del (p.Lys1038fs)

Gene: VPS13A (vacuolar protein sorting 13 homolog A; plus strand). Cytogenetic location: 9q21.2.
Variant type: Deletion.
Coding change: c.3114del on transcript NM_033305.3 (MANE Select); coding-DNA position 3114, one base deleted (A; older notation c.3114delA).
Protein change: p.Lys1038fs; shifts the reading frame from lysine 1038.
Molecular consequence: frameshift variant.
Genome position (GRCh38, 1-based): chr9:77,282,270, A deleted; the last of 6 consecutive A bases (chr9:77,282,265-77,282,270); deleting any one gives the same sequence. VCF-style (leftmost placement, unchanged base first): chr9-77282264-TA-T. GRCh37 (hg19) VCF-style: chr9-79897180-TA-T.
Other names: c.3114del, p.Lys1038fs (NM_001018037.2, NM_001018038.3, NM_015186.4); short protein forms K1038fs.
Identifiers: ClinVar variation 2627468 (VCV002627468.1), dbSNP rs2537843130, ClinGen allele CA2582341993.
Genomic context (GRCh38, chr9:77,282,264, plus strand): 5'-ATCAGAGGAAAAATCAGCCCCAGTGTCCACTACAGAGACTGAAGACAAAGGAGATGTCAT[TA>T]AAAAATTAGGTATGTTTTTTAAAAATTTAGCATCAACTTTTTTTTTTTTTAACCATGTAG-3'

ClinVar aggregate classification (germline): Likely pathogenic (1 of 4 stars; one submission).

Conditions:
VPS13A-related neurodegenerative disease. Also called: VPS13A Disease; LEVINE-CRITCHLEY SYNDROME; Choreoacanthocytosis; ACANTHOCYTOSIS WITH NEUROLOGIC DISORDER; Chorea-acanthocytosis; Choreaacanthocytosis. Identifiers: Orphanet 2388, MedGen C0393576, MONDO:0008695, OMIM 200150.

Submission:

Neuberg Centre For Genomic Medicine, NCGM
Classification: Likely pathogenic for VPS13A-related neurodegenerative disease. Review status: criteria provided, single submitter. Criteria: ACMG Guidelines, 2015. Collection method: clinical testing. Allele origin: germline. Inheritance: Autosomal recessive inheritance. Affected: yes.
Comment: The frameshift deletion p.K1038Nfs*2 in VPS13A (NM_033305.3) has not been reported previously as a pathogenic variant nor as a benign variant, to our knowledge. The p.K1038Nfs*2 variant is novel (not in any individuals) in gnomAD Exomes and is novel (not in any individuals) in 1000 Genomes. This variant is predicted to cause loss of normal protein function through protein truncation. Loss of function variants have been previously reported to be disease causing. For these reasons, this variant has been classified as Likely Pathogenic